The following is an entry in ClinVar:

ClinVar aggregate classification (germline): Conflicting classifications of pathogenicity. Review status: criteria provided, conflicting classifications (1 of 4 stars). 11 submissions from 10 submitters: Uncertain significance (1); Benign (2); Likely benign (7). 1 of the submissions does not count toward it. Last evaluated 2026-01-05.

Conditions:
WFS1-related disorder. Identifiers: MedGen CN379391, MONDO:0700293.
Monogenic diabetes. Identifiers: Orphanet 183625, MedGen C3888631, MONDO:0015967.
Inborn genetic diseases. Identifiers: MedGen C0950123, MeSH D030342.
WFS1-Related Spectrum Disorders.
Wolfram syndrome 1 (WFS1). Identifiers: Orphanet 3463, MedGen C4551693, MONDO:0009101, OMIM 222300.
Autosomal dominant nonsyndromic hearing loss 6 (LFSNHL). Also called: DEAFNESS, AUTOSOMAL DOMINANT 6; DEAFNESS, AUTOSOMAL DOMINANT 14; DEAFNESS, AUTOSOMAL DOMINANT 38; Autosomal dominant nonsyndromic deafness 6. Identifiers: Orphanet 90635, MedGen C1833021, MONDO:0010963, OMIM 600965.

Allele frequency attached by ClinVar (database versions not stated): gnomAD exomes 0.00044; ExAC 0.00085; gnomAD 0.00181 and 0.00197; ESP Exome Variant Server 0.00198; TOPMed 0.00199; 1000 Genomes Project 0.00200; 1000 Genomes Project 30x 0.00219.
gnomAD v4.1: 541 of 1,558,848 alleles (0.035%); highest among the groups gnomAD compares: African/African-American, 0.66%; no homozygotes.

Submissions (11):

Labcorp Genetics (formerly Invitae), Labcorp
Classification: Likely benign. Last evaluated: 2026-01-05. Review status: criteria provided, single submitter. Criteria: Invitae Variant Classification Sherloc (09022015). Collection method: clinical testing. Allele origin: germline.

Blueprint Genetics
Classification: Likely benign. Last evaluated: 2024-10-17. Review status: criteria provided, single submitter. Criteria: ACMG Guidelines, 2015. Collection method: clinical testing. Allele origin: germline.

Ambry Genetics
Classification: Likely benign for Inborn genetic diseases. Last evaluated: 2021-06-09. Review status: criteria provided, single submitter. Criteria: Ambry Variant Classification Scheme 2023. Collection method: clinical testing. Allele origin: germline.

GeneDx
Classification: Likely benign. Last evaluated: 2020-08-03. Review status: criteria provided, single submitter. Criteria: GeneDx Variant Classification Process June 2021. Collection method: clinical testing. Allele origin: germline. Affected: yes.

Illumina Laboratory Services, Illumina
Classification: Likely benign for WFS1-Related Spectrum Disorders. Last evaluated: 2018-01-12. Review status: criteria provided, single submitter. Criteria: ICSL Variant Classification Criteria 13 December 2019. Collection method: clinical testing. Allele origin: germline.
Comment: This variant was observed in the ICSL laboratory as part of a predisposition screen in an ostensibly healthy population. It had not been previously curated by ICSL or reported in the Human Gene Mutation Database (HGMD: prior to June 1st, 2018), and was therefore a candidate for classification through an automated scoring system. Utilizing variant allele frequency, disease prevalence and penetrance estimates, and inheritance mode, an automated score was calculated to assess if this variant is too frequent to cause the disease. Based on the score and internal cut-off values, a variant classified as likely benign is not then subjected to further curation. The score for this variant resulted in a classification of likely benign for this disease.

Illumina Laboratory Services, Illumina
Classification: Likely benign for Autosomal dominant nonsyndromic hearing loss 6. Last evaluated: 2018-01-12. Review status: criteria provided, single submitter. Criteria: ICSL Variant Classification Criteria 13 December 2019. Collection method: clinical testing. Allele origin: germline.
Comment: the same text as in the submission from Illumina Laboratory Services, Illumina above.

Laboratory for Molecular Medicine, Mass General Brigham Personalized Medicine
Classification: Benign. Last evaluated: 2017-10-05. Review status: criteria provided, single submitter. Criteria: LMM Criteria. Collection method: clinical testing. Allele origin: germline. Observed: 3 variant alleles.
Comment: p.Gly76Val in exon 2 of WFS1: This variant is not expected to have clinical sign ificance because it has been identified in 0.65% (107/16404) of Africanchromosom es by the Genome Aggregation Database (gnomAD; dbSNP rs200135768).

Eurofins Ntd Llc (ga)
Classification: Likely benign. Last evaluated: 2016-05-31. Review status: criteria provided, single submitter. Criteria: EGL Classification Definitions 2015. Collection method: clinical testing. Allele origin: germline. Observed: 1 variant allele, 1 heterozygote.

Personalized Diabetes Medicine Program, University of Maryland School of Medicine
Classification: Uncertain significance for Monogenic diabetes. Last evaluated: 2015-09-03. Review status: criteria provided, single submitter. Criteria: ACMG Guidelines, 2015. Collection method: research. Allele origin: unknown. Observed: 1 variant allele, 1 heterozygote.
Comment: ACMG Criteria: PP3, BP4

Clinical Genomics, Uppaluri K&H Personalized Medicine Clinic
Classification: Benign for Wolfram syndrome 1. Review status: criteria provided, single submitter. Criteria: K & H Uppaluri Personalized Medicine Clinic Variant Classification & Assertion Criteria_Updated V.1. Collection method: research. Allele origin: unknown. Inheritance: Autosomal recessive inheritance.
Comment: Potent mutations in WFS1 gene are associated with Wolfram's syndrome, an autosomal recessive condition, which cause diabetes mellitus, diabetes insipidus, deafness and optic atrophy. However no sufficient evidence is found to ascertain the role of this particular variant rs200135768 in Wolfram's syndrome yet.

PreventionGenetics, part of Exact Sciences
Classification: Likely benign for WFS1-related condition. Last evaluated: 2019-04-16. Review status: no assertion criteria provided. Collection method: clinical testing. Allele origin: germline. Not counted in ClinVar's aggregate classification.
Comment: This variant is classified as likely benign based on ACMG/AMP sequence variant interpretation guidelines (Richards et al. 2015 PMID: 25741868, with internal and published modifications).

Literature cited by the submitters: PubMed 20738327 (cited by Clinical Genomics, Uppaluri K&H Personalized Medicine Clinic); PubMed 33879153 (cited by Clinical Genomics, Uppaluri K&H Personalized Medicine Clinic); PubMed 12955714 (cited by Clinical Genomics, Uppaluri K&H Personalized Medicine Clinic); PubMed 18060660 (cited by Clinical Genomics, Uppaluri K&H Personalized Medicine Clinic); PubMed 20301750 (cited by Clinical Genomics, Uppaluri K&H Personalized Medicine Clinic); PubMed 17603484 (cited by Clinical Genomics, Uppaluri K&H Personalized Medicine Clinic).

NM_006005.3(WFS1):c.227G>T (p.Gly76Val)

Gene: WFS1 (wolframin ER transmembrane glycoprotein; plus strand). Cytogenetic location: 4p16.1.
Variant type: single nucleotide variant.
Coding change: c.227G>T on transcript NM_006005.3 (MANE Select); coding-DNA position 227, G replaced by T.
Protein change: p.Gly76Val; replaces glycine 76 with valine.
Molecular consequence: missense variant.
Genome position (GRCh38, 1-based): chr4:6,277,682, G>T. VCF-style: chr4-6277682-G-T. GRCh37 (hg19) VCF-style: chr4-6279409-G-T.
Other names: c.227G>T, p.Gly76Val (NM_001145853.1); short protein forms G76V.
Identifiers: ClinVar variation 215375 (VCV000215375.30), dbSNP rs200135768, ClinGen allele CA322171.